The following is an entry in ClinVar:

NM_013975.4(LIG3):c.1129G>A (p.Val377Met)

Gene: LIG3 (DNA ligase 3; plus strand). Cytogenetic location: 17q12.
Variant type: single nucleotide variant.
Coding change: c.1129G>A on transcript NM_013975.4 (MANE Select); coding-DNA position 1129, G replaced by A.
Protein change: p.Val377Met; replaces valine 377 with methionine.
Molecular consequence: missense variant.
Genome position (GRCh38, 1-based): chr17:34,991,758, G>A. VCF-style: chr17-34991758-G-A. GRCh37 (hg19) VCF-style: chr17-33318777-G-A.
Other names: c.1129G>A, p.Val377Met (NM_002311.5); short protein forms V377M.
Identifiers: ClinVar variation 3352171 (VCV003352171.2).

ClinVar aggregate classification (germline): Uncertain significance. Review status: criteria provided, single submitter (1 of 4 stars). 2 submissions from 2 submitters: Uncertain significance (1). 1 of the submissions does not count toward it. Last evaluated 2024-06-28.

Conditions:
LIG3-related disorder. Also called: LIG3-related condition.
Inborn genetic diseases. Identifiers: MedGen C0950123, MeSH D030342.

gnomAD v4.1: 19 of 1,613,980 alleles (0.0012%); highest among the groups gnomAD compares: Admixed American, 0.032%; no homozygotes.

Submissions (2):

Ambry Genetics
Classification: Uncertain significance for Inborn genetic diseases. Last evaluated: 2024-06-28. Review status: criteria provided, single submitter. Criteria: Ambry Variant Classification Scheme 2023. Collection method: clinical testing. Allele origin: germline.

PreventionGenetics, part of Exact Sciences
Classification: Uncertain significance for LIG3-related condition. Last evaluated: 2024-06-23. Review status: no assertion criteria provided. Collection method: clinical testing. Allele origin: germline. Not counted in ClinVar's aggregate classification.
Comment: The LIG3 c.1129G>A variant is predicted to result in the amino acid substitution p.Val377Met. To our knowledge, this variant has not been reported in the literature. This variant is reported in 0.046% of alleles in individuals of Latino descent in gnomAD. At this time, the clinical significance of this variant is uncertain due to the absence of conclusive functional and genetic evidence.